The following is an entry in ClinVar:

NM_003238.6(TGFB2):c.759_760delinsAT (p.Asp254Tyr)

Gene: TGFB2 (transforming growth factor beta 2; plus strand). Cytogenetic location: 1q41.
Variant type: Indel.
Coding change: c.759_760delinsAT on transcript NM_003238.6 (MANE Select); coding-DNA positions 759 to 760, TG replaced by AT.
Protein change: p.Asp254Tyr; replaces aspartic acid 254 with tyrosine.
Molecular consequence: missense variant.
Genome position (GRCh38, 1-based): chr1:218,435,974-218,435,975, TG replaced by AT. VCF-style: chr1-218435974-TG-AT. GRCh37 (hg19) VCF-style: chr1-218609316-TG-AT.
Other names: c.843_844delinsAT, p.Asp282Tyr (NM_001135599.4); short protein forms D254Y, D282Y.
Identifiers: ClinVar variation 528886 (VCV000528886.9), dbSNP rs1553303162, ClinGen allele CA658795610.

ClinVar aggregate classification (germline): Uncertain significance (1 of 4 stars; one submission).

Conditions:
Loeys-Dietz syndrome 4 (LDS4). Also called: ANEURYSM, AORTIC AND CEREBRAL, WITH ARTERIAL TORTUOSITY AND SKELETAL MANIFESTATIONS; TGFB2-Related Loeys-Dietz Syndrome. Identifiers: MedGen C3553762, MONDO:0013897, OMIM 614816.

Submission:

Labcorp Genetics (formerly Invitae), Labcorp
Classification: Uncertain significance for Loeys-Dietz syndrome 4. Last evaluated: 2017-12-17. Review status: criteria provided, single submitter. Criteria: Invitae Variant Classification Sherloc (09022015). Collection method: clinical testing. Allele origin: germline.
Comment: This variant has not been reported in the literature in individuals with TGFB2-related disease. This sequence change replaces aspartic acid with tyrosine at codon 254 of the TGFB2 protein (p.Asp254Tyr). The aspartic acid residue is highly conserved. This variant is not present in population databases (ExAC no frequency). Algorithms developed to predict the effect of missense changes on protein structure and function (SIFT, PolyPhen-2, Align-GVGD) all suggest that this variant is likely to be disruptive, but these predictions have not been confirmed by published functional studies and their clinical significance is uncertain. In summary, the available evidence is currently insufficient to determine the role of this variant in disease. Therefore, it has been classified as a Variant of Uncertain Significance.